The following is an entry in ClinVar:

ClinVar aggregate classification (germline): Uncertain significance (1 of 4 stars; one submission).

Submission:

GeneDx
Classification: Uncertain significance. Last evaluated: 2023-12-08. Review status: criteria provided, single submitter. Criteria: GeneDx Variant Classification Process June 2021. Collection method: clinical testing. Allele origin: germline. Affected: yes.
Comment: Not observed at significant frequency in large population cohorts (gnomAD); In-frame insertion of 2 amino acids in a non-repeat region; Has not been previously published as pathogenic or benign to our knowledge

NM_001199799.2(ILDR1):c.379_380insAGCACC (p.Asn126_Arg127insGlnHis)

Gene: ILDR1 (immunoglobulin like domain containing receptor 1; minus strand). Cytogenetic location: 3q13.33.
Variant type: Insertion.
Coding change: c.379_380insAGCACC on transcript NM_001199799.2 (MANE Select); coding-DNA positions 379 to 380, AGCACC inserted.
Protein change: p.Asn126_Arg127insGlnHis.
Molecular consequence: inframe insertion.
Genome position: GRCh38 VCF-style: chr3-122005243-C-CGGTGCT. GRCh37 (hg19) VCF-style: chr3-121724090-C-CGGTGCT.
Other names: c.379_380insAGCACC, p.Asn126_Pro127insGlnHis (NM_001199800.2); c.379_380insAGCACC, p.Asn126_Arg127insGlnHis (NM_175924.4).
Identifiers: ClinVar variation 3252555 (VCV003252555.1), dbSNP rs781300433.